The following is an entry in ClinVar:

NM_001040108.2(MLH3):c.2221G>A (p.Val741Ile)

Gene: MLH3 (mutL homolog 3; minus strand). Cytogenetic location: 14q24.3.
Variant type: single nucleotide variant.
Coding change: c.2221G>A on transcript NM_001040108.2 (MANE Select); coding-DNA position 2221, G replaced by A.
Protein change: p.Val741Ile; replaces valine 741 with isoleucine.
Molecular consequence: missense variant.
Genome position (GRCh38, 1-based): chr14:75,047,435, C>T on the plus strand (G>A on the coding strand, the complement: MLH3 is on the minus strand). VCF-style: chr14-75047435-C-T. GRCh37 (hg19) VCF-style: chr14-75514138-C-T.
Other names: c.2221G>A, p.Val741Ile (NM_014381.3); short protein forms V741I.
Identifiers: ClinVar variation 888514 (VCV000888514.15), dbSNP rs28756990, ClinGen allele CA7275733.
Genomic context (GRCh38, chr14:75,047,435, plus strand): 5'-ATTGCCTCTTAAACTTCTCTAAAGATCCTAGCTGTGAACTCAAGCTTAGCTTCTTACGGA[C>T]GATTGGTTTGGAGAAACCAATTAATTTATCTGTTTTCCTACTATCATTGGAAACGTGTCT-3'
Protein context (NP_001035197.1, residues 731-751): DKLIGFSKPI[Val741Ile]RKKLSLSSQL

ClinVar aggregate classification (germline): Conflicting classifications of pathogenicity. Review status: criteria provided, conflicting classifications (1 of 4 stars). 4 submissions from 4 submitters: Uncertain significance (3); Benign (1). Last evaluated 2025-10-26.

Conditions:
Colorectal cancer, hereditary nonpolyposis, type 7. Identifiers: Orphanet 144, MedGen C1858380, MONDO:0013725, OMIM 614385.

Allele frequency attached by ClinVar (database versions not stated): TOPMed 0.00006; 1000 Genomes Project 30x 0.00047; 1000 Genomes Project 0.00060.
gnomAD v4.1: 23 of 1,613,942 alleles (0.0014%); highest among the groups gnomAD compares: South Asian, 0.018%; no homozygotes.

Submissions (4):

Ambry Genetics
Classification: Uncertain significance. Last evaluated: 2025-10-26. Review status: criteria provided, single submitter. Criteria: Ambry Variant Classification Scheme 2023. Collection method: clinical testing. Allele origin: germline.
Comment: The p.V741I variant (also known as c.2221G>A), located in coding exon 1 of the MLH3 gene, results from a G to A substitution at nucleotide position 2221. The valine at codon 741 is replaced by isoleucine, an amino acid with highly similar properties. This amino acid position is poorly conserved in available vertebrate species. In addition, this alteration is predicted to be tolerated by in silico analysis. Since supporting evidence is limited at this time, the clinical significance of this alteration remains unclear.

Center for Genomic Medicine, Rigshospitalet, Copenhagen University Hospital
Classification: Uncertain significance. Last evaluated: 2025-03-04. Review status: criteria provided, single submitter. Criteria: ACMG Guidelines, 2015. Collection method: clinical testing. Allele origin: germline.

Labcorp Genetics (formerly Invitae), Labcorp
Classification: Uncertain significance for Colorectal cancer, hereditary nonpolyposis, type 7. Last evaluated: 2023-04-07. Review status: criteria provided, single submitter. Criteria: Invitae Variant Classification Sherloc (09022015). Collection method: clinical testing. Allele origin: germline.
Comment: This variant is present in population databases (rs28756990, gnomAD 0.04%), and has an allele count higher than expected for a pathogenic variant. This sequence change replaces valine, which is neutral and non-polar, with isoleucine, which is neutral and non-polar, at codon 741 of the MLH3 protein (p.Val741Ile). This variant has not been reported in the literature in individuals affected with MLH3-related conditions. In summary, the available evidence is currently insufficient to determine the role of this variant in disease. Therefore, it has been classified as a Variant of Uncertain Significance. An algorithm developed to predict the effect of missense changes on protein structure and function (PolyPhen-2) suggests that this variant is likely to be tolerated. ClinVar contains an entry for this variant (Variation ID: 888514).

Illumina Laboratory Services, Illumina
Classification: Benign for Colorectal cancer, hereditary nonpolyposis, type 7. Last evaluated: 2017-04-27. Review status: criteria provided, single submitter. Criteria: ICSL Variant Classification Criteria 13 December 2019. Collection method: clinical testing. Allele origin: germline.
Comment: This variant was observed as part of a predisposition screen in an ostensibly healthy population. A literature search was performed for the gene, cDNA change, and amino acid change (where applicable). No publications were found based on this search. Allele frequency data from public databases was too high to be consistent with this variant causing disease. Therefore, this variant is classified as benign.